The following is an entry in ClinVar:

ClinVar aggregate classification (germline): Uncertain significance. Review status: criteria provided, multiple submitters, no conflicts (2 of 4 stars). 2 submissions from 2 submitters: Uncertain significance (2). Last evaluated 2025-12-18.

Conditions:
Hereditary cancer-predisposing syndrome. Also called: Hereditary neoplastic syndrome; Tumor predisposition; Neoplastic Syndromes, Hereditary; Hereditary Cancer Syndrome. Identifiers: Orphanet 140162, MedGen C0027672, MeSH D009386, MONDO:0015356.
Oligodontia-cancer predisposition syndrome. Also called: TOOTH AGENESIS-COLORECTAL CANCER SYNDROME. Identifiers: Orphanet 300576, MedGen C1837750, MONDO:0012075, OMIM 608615. Disease mechanism: loss of function.

Allele frequency attached by ClinVar (database versions not stated): gnomAD exomes 0.00001; ExAC 0.00002.
gnomAD v4.1: 28 of 1,613,726 alleles (0.0017%); highest among the groups gnomAD compares: Non-Finnish European, 0.0023%; no homozygotes.

Submissions (2):

Labcorp Genetics (formerly Invitae), Labcorp
Classification: Uncertain significance for Oligodontia-cancer predisposition syndrome. Last evaluated: 2025-12-18. Review status: criteria provided, single submitter. Criteria: Invitae Variant Classification Sherloc (09022015). Collection method: clinical testing. Allele origin: germline.
Comment: This sequence change replaces glycine, which is neutral and non-polar, with serine, which is neutral and polar, at codon 504 of the AXIN2 protein (p.Gly504Ser). This variant is present in population databases (rs757512425, gnomAD 0.002%). This variant has not been reported in the literature in individuals affected with AXIN2-related conditions. ClinVar contains an entry for this variant (Variation ID: 570418). Invitae Evidence Modeling of protein sequence and biophysical properties (such as structural, functional, and spatial information, amino acid conservation, physicochemical variation, residue mobility, and thermodynamic stability) indicates that this missense variant is not expected to disrupt AXIN2 protein function with a negative predictive value of 80%. In summary, the available evidence is currently insufficient to determine the role of this variant in disease. Therefore, it has been classified as a Variant of Uncertain Significance.

Ambry Genetics
Classification: Uncertain significance for Hereditary cancer-predisposing syndrome. Last evaluated: 2025-10-21. Review status: criteria provided, single submitter. Criteria: Ambry Variant Classification Scheme 2023. Collection method: clinical testing. Allele origin: germline.
Comment: The p.G504S variant (also known as c.1510G>A), located in coding exon 5 of the AXIN2 gene, results from a G to A substitution at nucleotide position 1510. The glycine at codon 504 is replaced by serine, an amino acid with similar properties. This amino acid position is not well conserved in available vertebrate species. In addition, this alteration is predicted to be tolerated by in silico analysis. Since supporting evidence is limited at this time, the clinical significance of this alteration remains unclear.

NM_004655.4(AXIN2):c.1510G>A (p.Gly504Ser)

Gene: AXIN2 (axin 2; minus strand). Cytogenetic location: 17q24.1.
Variant type: single nucleotide variant.
Coding change: c.1510G>A on transcript NM_004655.4 (MANE Select); coding-DNA position 1510, G replaced by A.
Protein change: p.Gly504Ser; replaces glycine 504 with serine.
Molecular consequence: missense variant.
Genome position (GRCh38, 1-based): chr17:65,537,526, C>T on the plus strand (G>A on the coding strand, the complement: AXIN2 is on the minus strand). VCF-style: chr17-65537526-C-T. GRCh37 (hg19) VCF-style: chr17-63533644-C-T.
Other names: c.1510G>A, p.Gly504Ser (NM_001363813.1); c.1510G>A (LRG_296t1); short protein forms G504S.
Identifiers: ClinVar variation 570418 (VCV000570418.15), dbSNP rs757512425, ClinGen allele CA8718626.